The following is an entry in ClinVar:

NM_000455.5(STK11):c.402T>C (p.Cys134=)

Gene: STK11 (serine/threonine kinase 11; plus strand). Cytogenetic location: 19p13.3.
Variant type: single nucleotide variant.
Coding change: c.402T>C on transcript NM_000455.5 (MANE Select); coding-DNA position 402, T replaced by C.
Protein change: p.Cys134=; no amino-acid change (cysteine 134 retained).
Molecular consequence: synonymous variant.
Genome position (GRCh38, 1-based): chr19:1,219,351, T>C. VCF-style: chr19-1219351-T-C. GRCh37 (hg19) VCF-style: chr19-1219350-T-C.
Identifiers: ClinVar variation 744191 (VCV000744191.12), dbSNP rs778868074, ClinGen allele CA504706597.

ClinVar aggregate classification (germline): Benign/Likely benign. Review status: criteria provided, multiple submitters, no conflicts (2 of 4 stars). 3 submissions from 3 submitters: Benign (1); Likely benign (2). Last evaluated 2026-08-26.

Conditions:
Hereditary cancer-predisposing syndrome. Also called: Tumor predisposition; Hereditary Cancer Syndrome; Neoplastic Syndromes, Hereditary; Hereditary neoplastic syndrome. Identifiers: Orphanet 140162, MedGen C0027672, MeSH D009386, MONDO:0015356.
Peutz-Jeghers syndrome (PJS). Also called: POLYPOSIS, HAMARTOMATOUS INTESTINAL; POLYPS-AND-SPOTS SYNDROME; Peutz-Jeghers polyposis; Periorificial lentiginosis syndrome. Identifiers: Orphanet 2869, MedGen C0031269, MeSH D010580, MONDO:0008280, OMIM 175200.

Submissions (3):

Ambry Genetics
Classification: Likely benign for Hereditary cancer-predisposing syndrome. Last evaluated: 2026-08-26. Review status: criteria provided, single submitter. Criteria: Ambry Variant Classification Scheme 2023. Collection method: clinical testing. Allele origin: germline.

Myriad Genetics, Inc.
Classification: Benign for Peutz-Jeghers syndrome. Last evaluated: 2025-03-25. Review status: criteria provided, single submitter. Criteria: Myriad Autosomal Dominant, Autosomal Recessive and X-Linked Classification Criteria (2023). Collection method: clinical testing. Allele origin: unknown.
Comment: This variant is considered benign. This variant is a silent/synonymous amino acid change and it is not expected to impact splicing.

Labcorp Genetics (formerly Invitae), Labcorp
Classification: Likely benign for Peutz-Jeghers syndrome. Last evaluated: 2024-02-01. Review status: criteria provided, single submitter. Criteria: Invitae Variant Classification Sherloc (09022015). Collection method: clinical testing. Allele origin: germline.